The following is an entry in ClinVar:

ClinVar aggregate classification (germline): Uncertain significance (1 of 4 stars; one submission).

Conditions:
Spastic paraplegia. Identifiers: MedGen C0037772, HP:0001258.

Allele frequency attached by ClinVar (database versions not stated): gnomAD exomes below 0.00001.

Submission:

Labcorp Genetics (formerly Invitae), Labcorp
Classification: Uncertain significance for Spastic paraplegia. Last evaluated: 2025-01-06. Review status: criteria provided, single submitter. Criteria: Invitae Variant Classification Sherloc (09022015). Collection method: clinical testing. Allele origin: germline.
Comment: This sequence change replaces lysine, which is basic and polar, with asparagine, which is neutral and polar, at codon 135 of the SLC33A1 protein (p.Lys135Asn). This variant is not present in population databases (gnomAD no frequency). This variant has not been reported in the literature in individuals affected with SLC33A1-related conditions. ClinVar contains an entry for this variant (Variation ID: 2090115). Invitae Evidence Modeling of protein sequence and biophysical properties (such as structural, functional, and spatial information, amino acid conservation, physicochemical variation, residue mobility, and thermodynamic stability) indicates that this missense variant is not expected to disrupt SLC33A1 protein function with a negative predictive value of 80%. In summary, the available evidence is currently insufficient to determine the role of this variant in disease. Therefore, it has been classified as a Variant of Uncertain Significance.

NM_004733.4(SLC33A1):c.405G>C (p.Lys135Asn)

Gene: SLC33A1 (solute carrier family 33 member 1; minus strand). Cytogenetic location: 3q25.31.
Variant type: single nucleotide variant.
Coding change: c.405G>C on transcript NM_004733.4 (MANE Select); coding-DNA position 405, G replaced by C.
Protein change: p.Lys135Asn; replaces lysine 135 with asparagine.
Molecular consequence: missense variant.
Genome position (GRCh38, 1-based): chr3:155,853,593, C>G on the plus strand (G>C on the coding strand, the complement: SLC33A1 is on the minus strand). VCF-style: chr3-155853593-C-G. GRCh37 (hg19) VCF-style: chr3-155571382-C-G.
Other names: c.405G>C, p.Lys135Asn (NM_001190992.2, NM_001363883.1); short protein forms K135N.
Identifiers: ClinVar variation 2090115 (VCV002090115.4), dbSNP rs2473017962, ClinGen allele CA355143690.